The following is an entry in ClinVar:

NM_020937.4(FANCM):c.1358T>C (p.Leu453Ser)

Gene: FANCM (FA complementation group M; plus strand). Cytogenetic location: 14q21.2.
Variant type: single nucleotide variant.
Coding change: c.1358T>C on transcript NM_020937.4 (MANE Select); coding-DNA position 1358, T replaced by C.
Protein change: p.Leu453Ser; replaces leucine 453 with serine.
Molecular consequence: missense variant.
Genome position (GRCh38, 1-based): chr14:45,155,421, T>C. VCF-style: chr14-45155421-T-C. GRCh37 (hg19) VCF-style: chr14-45624624-T-C.
Other names: c.1358T>C, p.Leu453Ser (NM_001308134.2); c.1280T>C, p.Leu427Ser (NM_001308133.2); short protein forms L427S, L453S.
Identifiers: ClinVar variation 2715723 (VCV002715723.3), dbSNP rs1566738991, ClinGen allele CA389592254.

ClinVar aggregate classification (germline): Uncertain significance (1 of 4 stars; one submission).

Conditions:
Fanconi anemia (FA). Also called: Fanconi's anemia. Identifiers: Orphanet 84, MedGen C0015625, MeSH D005199, MONDO:0019391.

Allele frequency attached by ClinVar (database versions not stated): gnomAD exomes below 0.00001.
gnomAD v4.1: 1 of 1,490,330 alleles (0.000067%); highest among the groups gnomAD compares: East Asian, 0.0023%; no homozygotes.

Submission:

Labcorp Genetics (formerly Invitae), Labcorp
Classification: Uncertain significance for Fanconi anemia. Last evaluated: 2025-11-03. Review status: criteria provided, single submitter. Criteria: Invitae Variant Classification Sherloc (09022015). Collection method: clinical testing. Allele origin: germline.
Comment: This sequence change replaces leucine, which is neutral and non-polar, with serine, which is neutral and polar, at codon 453 of the FANCM protein (p.Leu453Ser). This variant is present in population databases (no rsID available, gnomAD 0.006%). This variant has not been reported in the literature in individuals affected with FANCM-related conditions. ClinVar contains an entry for this variant (Variation ID: 2715723). An algorithm developed to predict the effect of missense changes on protein structure and function (PolyPhen-2) suggests that this variant is likely to be disruptive. In summary, the available evidence is currently insufficient to determine the role of this variant in disease. Therefore, it has been classified as a Variant of Uncertain Significance.